The following is an entry in ClinVar:

NM_001035.3(RYR2):c.721A>G (p.Met241Val)

Gene: RYR2 (ryanodine receptor 2; plus strand). Cytogenetic location: 1q43.
Variant type: single nucleotide variant.
Coding change: c.721A>G on transcript NM_001035.3 (MANE Select); coding-DNA position 721, A replaced by G.
Protein change: p.Met241Val; replaces methionine 241 with valine.
Molecular consequence: missense variant.
Genome position (GRCh38, 1-based): chr1:237,388,131, A>G. VCF-style: chr1-237388131-A-G. GRCh37 (hg19) VCF-style: chr1-237551431-A-G.
Other names: short protein forms M241V.
Identifiers: ClinVar variation 1898705 (VCV001898705.5), dbSNP rs760669140, ClinGen allele CA087319.
Genomic context (GRCh38, chr1:237,388,131, plus strand): 5'-TTTTTTATCCTTACAGGGTATCTCATTGGTGGTGATGTCCTCAGGTTGCTGCATGGACAC[A>G]TGGACGAGTGTCTCACTGTCCCTTCAGGAGAACATGGTGAAGAGCAGCGGAGGTTAGTAC-3'
Protein context (NP_001026.2, residues 231-251): GDVLRLLHGH[Met241Val]DECLTVPSGE

ClinVar aggregate classification (germline): Uncertain significance (1 of 4 stars; one submission).

Conditions:
Catecholaminergic polymorphic ventricular tachycardia 1. Also called: RYR2-Related Catecholaminergic Polymorphic Ventricular Tachycardia; VENTRICULAR TACHYCARDIA, STRESS-INDUCED POLYMORPHIC 1; VENTRICULAR TACHYCARDIA, CATECHOLAMINERGIC POLYMORPHIC, 1, WITH OR WITHOUT ATRIAL DYSFUNCTION AND/OR DILATED CARDIOMYOPATHY. Identifiers: Orphanet 3286, MedGen C1631597, MONDO:0011484, OMIM 604772.

Allele frequency attached by ClinVar (database versions not stated): gnomAD exomes below 0.00001; ExAC 0.00001.
gnomAD v4.1: 4 of 1,613,982 alleles (0.00025%); highest among the groups gnomAD compares: South Asian, 0.0011%; no homozygotes.

Submission:

Labcorp Genetics (formerly Invitae), Labcorp
Classification: Uncertain significance for Catecholaminergic polymorphic ventricular tachycardia 1. Last evaluated: 2022-09-20. Review status: criteria provided, single submitter. Criteria: Invitae Variant Classification Sherloc (09022015). Collection method: clinical testing. Allele origin: germline.
Comment: In summary, the available evidence is currently insufficient to determine the role of this variant in disease. Therefore, it has been classified as a Variant of Uncertain Significance. This sequence change replaces methionine, which is neutral and non-polar, with valine, which is neutral and non-polar, at codon 241 of the RYR2 protein (p.Met241Val). This variant is present in population databases (rs760669140, gnomAD 0.003%). This variant has not been reported in the literature in individuals affected with RYR2-related conditions. Advanced modeling of protein sequence and biophysical properties (such as structural, functional, and spatial information, amino acid conservation, physicochemical variation, residue mobility, and thermodynamic stability) performed at Invitae indicates that this missense variant is not expected to disrupt RYR2 protein function.